The following is an entry in ClinVar:

NM_030962.4(SBF2):c.566A>G (p.His189Arg)

Gene: SBF2 (SET binding factor 2; minus strand). Cytogenetic location: 11p15.4.
Variant type: single nucleotide variant.
Coding change: c.566A>G on transcript NM_030962.4 (MANE Select); coding-DNA position 566, A replaced by G.
Protein change: p.His189Arg; replaces histidine 189 with arginine.
Molecular consequence: missense variant.
Genome position (GRCh38, 1-based): chr11:10,028,505, T>C on the plus strand (A>G on the coding strand, the complement: SBF2 is on the minus strand). VCF-style: chr11-10028505-T-C. GRCh37 (hg19) VCF-style: chr11-10050052-T-C.
Other names: c.566A>G, p.His189Arg (NM_001386339.1, NM_001386342.1); short protein forms H189R.
Identifiers: ClinVar variation 965856 (VCV000965856.11), dbSNP rs764000654, ClinGen allele CA5882078.

ClinVar aggregate classification (germline): Uncertain significance. Review status: criteria provided, multiple submitters, no conflicts (2 of 4 stars). 2 submissions from 2 submitters: Uncertain significance (2). Last evaluated 2021-12-16.

Conditions:
Inborn genetic diseases. Identifiers: MedGen C0950123, MeSH D030342.
Charcot-Marie-Tooth disease type 4. Also called: Charcot-Marie-Tooth disease, type IV; Charcot-Marie-Tooth, Type 4. Identifiers: Orphanet 64749, MedGen C4082197, MONDO:0018995.

Allele frequency attached by ClinVar (database versions not stated): TOPMed below 0.00001; ExAC 0.00001; gnomAD exomes 0.00001 and 0.00003.
gnomAD v4.1: 10 of 1,613,836 alleles (0.00062%); highest among the groups gnomAD compares: Admixed American, 0.01%; no homozygotes.

Submissions (2):

Ambry Genetics
Classification: Uncertain significance for Inborn genetic diseases. Last evaluated: 2021-12-16. Review status: criteria provided, single submitter. Criteria: Ambry Variant Classification Scheme 2023. Collection method: clinical testing. Allele origin: germline.
Comment: The p.H189R variant (also known as c.566A>G), located in coding exon 6 of the SBF2 gene, results from an A to G substitution at nucleotide position 566. The histidine at codon 189 is replaced by arginine, an amino acid with highly similar properties. This amino acid position is conserved. In addition, this alteration is predicted to be tolerated by in silico analysis. Since supporting evidence is limited at this time, the clinical significance of this alteration remains unclear.

Labcorp Genetics (formerly Invitae), Labcorp
Classification: Uncertain significance for Charcot-Marie-Tooth disease type 4. Last evaluated: 2019-11-10. Review status: criteria provided, single submitter. Criteria: Invitae Variant Classification Sherloc (09022015). Collection method: clinical testing. Allele origin: germline.
Comment: In summary, the available evidence is currently insufficient to determine the role of this variant in disease. Therefore, it has been classified as a Variant of Uncertain Significance. Algorithms developed to predict the effect of missense changes on protein structure and function (SIFT, PolyPhen-2, Align-GVGD) all suggest that this variant is likely to be tolerated, but these predictions have not been confirmed by published functional studies and their clinical significance is uncertain. This variant has not been reported in the literature in individuals with SBF2-related conditions. This variant is present in population databases (rs764000654, ExAC 0.009%). This sequence change replaces histidine with arginine at codon 189 of the SBF2 protein (p.His189Arg). The histidine residue is weakly conserved and there is a small physicochemical difference between histidine and arginine.